The following is an entry in ClinVar:

ClinVar aggregate classification (germline): Uncertain significance (1 of 4 stars; one submission).

Conditions:
Charcot-Marie-Tooth disease type 2. Also called: Charcot-Marie-Tooth type 2. Identifiers: Orphanet 64746, MedGen C0270914, MONDO:0018993.

Allele frequency attached by ClinVar (database versions not stated): gnomAD exomes 0.00001; ExAC 0.00002; gnomAD 0.00003.

Submission:

Labcorp Genetics (formerly Invitae), Labcorp
Classification: Uncertain significance for Charcot-Marie-Tooth disease type 2. Last evaluated: 2025-04-27. Review status: criteria provided, single submitter. Criteria: Invitae Variant Classification Sherloc (09022015). Collection method: clinical testing. Allele origin: germline.
Comment: This sequence change replaces arginine, which is basic and polar, with histidine, which is basic and polar, at codon 616 of the AARS protein (p.Arg616His). This variant is present in population databases (rs781270199, gnomAD 0.006%). This variant has not been reported in the literature in individuals affected with AARS-related conditions. ClinVar contains an entry for this variant (Variation ID: 958664). Invitae Evidence Modeling of protein sequence and biophysical properties (such as structural, functional, and spatial information, amino acid conservation, physicochemical variation, residue mobility, and thermodynamic stability) indicates that this missense variant is not expected to disrupt AARS protein function with a negative predictive value of 80%. In summary, the available evidence is currently insufficient to determine the role of this variant in disease. Therefore, it has been classified as a Variant of Uncertain Significance.

NM_001605.3(AARS1):c.1847G>A (p.Arg616His)

Gene: AARS1 (alanyl-tRNA synthetase 1; minus strand). Cytogenetic location: 16q22.1.
Variant type: single nucleotide variant.
Coding change: c.1847G>A on transcript NM_001605.3 (MANE Select); coding-DNA position 1847, G replaced by A.
Protein change: p.Arg616His; replaces arginine 616 with histidine.
Molecular consequence: missense variant.
Genome position (GRCh38, 1-based): chr16:70,259,125, C>T on the plus strand (G>A on the coding strand, the complement: AARS1 is on the minus strand). VCF-style: chr16-70259125-C-T. GRCh37 (hg19) VCF-style: chr16-70293028-C-T.
Other names: short protein forms R616H.
Identifiers: ClinVar variation 958664 (VCV000958664.9), dbSNP rs781270199, ClinGen allele CA8140645.